The following is an entry in ClinVar:

NM_002334.4(LRP4):c.5654G>A (p.Arg1885Gln)

Genes: LRP4 (LDL receptor related protein 4; minus strand), LRP4-AS1 (LRP4 antisense RNA 1; plus strand). Cytogenetic location: 11p11.2.
Variant type: single nucleotide variant.
Coding change: c.5654G>A on transcript NM_002334.4 (MANE Select); coding-DNA position 5654, G replaced by A.
Protein change: p.Arg1885Gln; replaces arginine 1885 with glutamine.
Molecular consequence: missense variant.
Genome position (GRCh38, 1-based): chr11:46,859,047, C>T on the plus strand (G>A on the coding strand, the complement: LRP4 is on the minus strand). VCF-style: chr11-46859047-C-T. GRCh37 (hg19) VCF-style: chr11-46880598-C-T.
Other names: c.5654G>A (NM_002334.3); short protein forms R1885Q.
Identifiers: ClinVar variation 1497314 (VCV001497314.8), dbSNP rs779079160, ClinGen allele CA5968970.
Genomic context (GRCh38, chr11:46,859,047, plus strand): 5'-ACCTGGCTCTCTGAGGAGAGCTTGCGTTCATGTTTCCAGCCCGTGTCTGGCAGAGAGCCT[C>T]GTCTTTCTGGAGTGGCTGCAGTATGGACGCTGCTACACTCAGACTGCTCTTCCTGTAACA-3'
Protein context (NP_002325.2, residues 1875-1895): SVHTAATPER[Arg1885Gln]GSLPDTGWKH

ClinVar aggregate classification (germline): Uncertain significance. Review status: criteria provided, multiple submitters, no conflicts (2 of 4 stars). 2 submissions from 2 submitters: Uncertain significance (2). Last evaluated 2024-11-13.

Conditions:
Sclerosteosis 2 (SOST2). Identifiers: Orphanet 3152, MedGen C3280402, MONDO:0013679, OMIM 614305.
Cenani-Lenz syndactyly syndrome. Also called: SYNDACTYLY, TYPE VII; CENANI SYNDACTYLISM. Identifiers: Orphanet 3258, MedGen C1859309, MONDO:0008931, OMIM 212780.
Congenital myasthenic syndrome 17. Identifiers: Orphanet 590, MedGen C4225377, MONDO:0014578, OMIM 616304.
Inborn genetic diseases. Identifiers: MedGen C0950123, MeSH D030342.

Allele frequency attached by ClinVar (database versions not stated): gnomAD exomes below 0.00001 and 0.00001; ExAC 0.00001; gnomAD 0.00002; TOPMed 0.00002.
gnomAD v4.1: 18 of 1,613,994 alleles (0.0011%); highest among the groups gnomAD compares: African/African-American, 0.004%; no homozygotes.

Submissions (2):

Ambry Genetics
Classification: Uncertain significance for Inborn genetic diseases. Last evaluated: 2024-11-13. Review status: criteria provided, single submitter. Criteria: Ambry Variant Classification Scheme 2023. Collection method: clinical testing. Allele origin: germline.

Labcorp Genetics (formerly Invitae), Labcorp
Classification: Uncertain significance for Cenani-Lenz syndactyly syndrome; Sclerosteosis 2; Congenital myasthenic syndrome 17. Last evaluated: 2020-11-06. Review status: criteria provided, single submitter. Criteria: Invitae Variant Classification Sherloc (09022015). Collection method: clinical testing. Allele origin: germline.
Comment: In summary, the available evidence is currently insufficient to determine the role of this variant in disease. Therefore, it has been classified as a Variant of Uncertain Significance. Algorithms developed to predict the effect of missense changes on protein structure and function are either unavailable or do not agree on the potential impact of this missense change (SIFT: "Deleterious"; PolyPhen-2: "Benign"; Align-GVGD: "Class C0"). This variant has not been reported in the literature in individuals with LRP4-related conditions. This variant is present in population databases (rs779079160, ExAC 0.01%). This sequence change replaces arginine with glutamine at codon 1885 of the LRP4 protein (p.Arg1885Gln). The arginine residue is highly conserved and there is a small physicochemical difference between arginine and glutamine.